The following is an entry in ClinVar:

NM_001873.4(CPE):c.1175C>T (p.Thr392Ile)

Gene: CPE (carboxypeptidase E; plus strand). Cytogenetic location: 4q32.3.
Variant type: single nucleotide variant.
Coding change: c.1175C>T on transcript NM_001873.4 (MANE Select); coding-DNA position 1175, C replaced by T.
Protein change: p.Thr392Ile; replaces threonine 392 with isoleucine.
Molecular consequence: missense variant.
Genome position (GRCh38, 1-based): chr4:165,493,232, C>T. VCF-style: chr4-165493232-C-T. GRCh37 (hg19) VCF-style: chr4-166414384-C-T.
Other names: c.1175C>T (NM_001873.3); short protein forms T392I.
Identifiers: ClinVar variation 3269152 (VCV003269152.2).
Genomic context (GRCh38, chr4:165,493,232, plus strand): 5'-TACACCGAGGAGTTAAAGGATTTGTCCGAGACCTTCAAGGTAACCCAATTGCGAATGCCA[C>T]CATCTCCGTGGAAGGAATAGACCACGATGTTACATCCGGTGGGTCTTTGCCACAATTGGA-3'
Protein context (NP_001864.1, residues 382-402): DLQGNPIANA[Thr392Ile]ISVEGIDHDV

ClinVar aggregate classification (germline): Uncertain significance. Review status: criteria provided, multiple submitters, no conflicts (2 of 4 stars). 2 submissions from 2 submitters: Uncertain significance (2). Last evaluated 2025-07-29.

Conditions:
CPE-related disorder. Also called: CPE-related condition.
Inborn genetic diseases. Identifiers: MedGen C0950123, MeSH D030342.

gnomAD v4.1: 7 of 1,613,968 alleles (0.00043%); highest among the groups gnomAD compares: Non-Finnish European, 0.00059%; no homozygotes.

Submissions (2):

PreventionGenetics, part of Exact Sciences
Classification: Uncertain significance for CPE-related condition. Last evaluated: 2025-07-29. Review status: criteria provided, single submitter. Criteria: ACMG Guidelines, 2015. Collection method: clinical testing. Allele origin: germline.
Comment: The CPE c.1175C>T variant is predicted to result in the amino acid substitution p.Thr392Ile. To our knowledge, this variant has not been reported in the literature. This variant is reported in 0.0015% of alleles in individuals of European (Non-Finnish) descent in gnomAD. At this time, the clinical significance of this variant is uncertain due to the absence of conclusive functional and genetic evidence.

Ambry Genetics
Classification: Uncertain significance for Inborn genetic diseases. Last evaluated: 2024-05-14. Review status: criteria provided, single submitter. Criteria: Ambry Variant Classification Scheme 2023. Collection method: clinical testing. Allele origin: germline.